The following is an entry in ClinVar:

NM_206933.4(USH2A):c.8254G>A (p.Gly2752Arg)

Gene: USH2A (usherin; minus strand). Cytogenetic location: 1q41.
Variant type: single nucleotide variant.
Coding change: c.8254G>A on transcript NM_206933.4 (MANE Select); coding-DNA position 8254, G replaced by A.
Protein change: p.Gly2752Arg; replaces glycine 2752 with arginine.
Molecular consequence: missense variant.
Genome position (GRCh38, 1-based): chr1:215,879,068, C>T on the plus strand (G>A on the coding strand, the complement: USH2A is on the minus strand). VCF-style: chr1-215879068-C-T. GRCh37 (hg19) VCF-style: chr1-216052410-C-T.
Other names: short protein forms G2752R.
Identifiers: ClinVar variation 636127 (VCV000636127.63), dbSNP rs201863550, ClinGen allele CA1394634.

ClinVar aggregate classification (germline): Pathogenic/Likely pathogenic. Review status: criteria provided, multiple submitters, no conflicts (2 of 4 stars). 18 submissions from 16 submitters: Pathogenic (12); Likely pathogenic (5). 1 of the submissions does not count toward it. Last evaluated 2026-03-17.

Conditions:
USH2A-related disorder. Also called: USH2A-related disorders; USH2A-related condition. Identifiers: MedGen CN239332.
Retinitis pigmentosa 39 (RP39). Identifiers: Orphanet 791, MedGen C3151138, MONDO:0013436, OMIM 613809.
Usher syndrome type 2A. Also called: RETINAL DISEASE IN USHER SYNDROME TYPE IIA, MODIFIER OF; USHER SYNDROME, TYPE IIA. Identifiers: Orphanet 231178, Orphanet 886, MedGen C1848634, MONDO:0010169, OMIM 276901.
Retinal dystrophy. Also called: Inherited retinal dystrophy. Identifiers: Orphanet 71862, MedGen C0854723, MeSH D058499, MONDO:0019118, HP:0000556.
Retinitis pigmentosa (RP). Identifiers: Orphanet 791, MedGen C0035334, MeSH D012174, MONDO:0019200, OMIM 268000. Inheritance: Autosomal dominant, autosomal recessive and X linked inheritance.
Usher syndrome. Also called: Usher's syndrome; Usher Syndromes. Identifiers: Orphanet 886, MedGen CN469326, MeSH D052245, MONDO:0019501. Disease mechanism: loss of function.

Allele frequency attached by ClinVar (database versions not stated): ExAC 0.00001; gnomAD 0.00001; gnomAD exomes 0.00002; TOPMed 0.00002; 1000 Genomes Project 30x 0.00031; 1000 Genomes Project 0.00040.
gnomAD v4.1: 24 of 1,613,866 alleles (0.0015%); highest among the groups gnomAD compares: East Asian, 0.033%; no homozygotes.

Submissions (18):

PreventionGenetics, part of Exact Sciences
Classification: Pathogenic for USH2A-related condition. Last evaluated: 2026-03-17. Review status: criteria provided, single submitter. Criteria: ACMG Guidelines, 2015. Collection method: clinical testing. Allele origin: germline.
Comment: The USH2A c.8254G>A variant is predicted to result in the amino acid substitution p.Gly2752Arg. This variant has been reported many times in an individuals with Usher syndrome or non-syndromic retinal disease (see for examples: Lenassi et al. 2015. PubMed ID: 25649381; Zhang et al. 2016. PubMed ID: 27596865; Perez-Carro et al. 2016. PubMed ID: 26806561; Bonnet et al. 2011. PubMed ID: 21569298; Pierrache et al. 2016. PubMed ID: 26927203). This variant is present in 0.027% of alleles in individuals of East Asian descent in gnomAD. This variant is interpreted as pathogenic.

Medical and Scientific Branch, Hong Kong Genome Institute
Classification: Pathogenic for Retinitis pigmentosa 39. Last evaluated: 2026-01-26. Review status: criteria provided, single submitter. Criteria: ACMG Guidelines, 2015. Collection method: clinical testing. Allele origin: maternal. Affected: yes.

Institute of Medical Genetics and Applied Genomics, University Hospital Tübingen
Classification: Likely pathogenic for Retinitis pigmentosa 39. Last evaluated: 2025-09-08. Review status: criteria provided, single submitter. Criteria: ACMG Guidelines, 2015. Collection method: clinical testing. Allele origin: germline. Inheritance: Autosomal recessive inheritance. Affected: yes.

Natera, Inc.
Classification: Pathogenic for Usher syndrome type 2A. Last evaluated: 2025-07-25. Review status: criteria provided, single submitter. Criteria: Natera Variant Classification Schema (03/2026). Collection method: clinical testing. Allele origin: germline.
Comment: The c.8254G>A variant in USH2A is a missense variant predicted to cause substitution of glycine to arginine at amino acid 2752. This variant is rare in the general population with a frequency below the threshold expected for the associated phenotype(s). This variant has been observed in one or more individuals affected with the associated recessive disease, as either homozygous or compound heterozygous with a second variant (PMID: 30459346, 25649381, 26806561, 33105608, 27596865, 33247286). Given the available evidence, this variant is classified as Pathogenic.

Labcorp Genetics (formerly Invitae), Labcorp
Classification: Pathogenic. Last evaluated: 2025-03-17. Review status: criteria provided, single submitter. Criteria: Invitae Variant Classification Sherloc (09022015). Collection method: clinical testing. Allele origin: germline.
Comment: This sequence change replaces glycine, which is neutral and non-polar, with arginine, which is basic and polar, at codon 2752 of the USH2A protein (p.Gly2752Arg). This variant is present in population databases (rs201863550, gnomAD 0.02%). This missense change has been observed in individual(s) with retinitis pigmentosa and Usher syndrome (PMID: 21569298, 26806561, 27596865, 28678594, 29625443, 30459346). In at least one individual the data is consistent with being in trans (on the opposite chromosome) from a pathogenic variant. ClinVar contains an entry for this variant (Variation ID: 636127). Invitae Evidence Modeling of protein sequence and biophysical properties (such as structural, functional, and spatial information, amino acid conservation, physicochemical variation, residue mobility, and thermodynamic stability) indicates that this missense variant is expected to disrupt USH2A protein function with a positive predictive value of 95%. For these reasons, this variant has been classified as Pathogenic.

Revvity Omics, Revvity
Classification: Likely pathogenic. Last evaluated: 2025-02-24. Review status: criteria provided, single submitter. Criteria: ACMG Guidelines, 2015. Collection method: clinical testing. Allele origin: germline.

Baylor Genetics
Classification: Pathogenic for Retinitis pigmentosa 39. Last evaluated: 2024-03-16. Review status: criteria provided, single submitter. Criteria: ACMG Guidelines, 2015. Collection method: clinical testing. Allele origin: unknown.

Fulgent Genetics
Classification: Likely pathogenic for Usher syndrome type 2A; Retinitis pigmentosa 39. Last evaluated: 2024-02-07. Review status: criteria provided, single submitter. Criteria: ACMG Guidelines, 2015. Collection method: clinical testing. Allele origin: germline.

3billion
Classification: Pathogenic for Retinitis pigmentosa 39. Last evaluated: 2024-01-03. Review status: criteria provided, single submitter. Criteria: ACMG Guidelines, 2015. Collection method: clinical testing. Allele origin: germline. Affected: yes.
Comment: The variant is observed at an extremely low frequency in the gnomAD v2.1.1 dataset (total allele frequency: 0.002%). Predicted Consequence/Location: The majority of the known disease-causing variants of this gene are variants expected to result in premature termination of the protein. In silico tools predict the variant to alter splicing and produce an abnormal transcript [SpliceAI: 0.29 (>=0.2, moderate evidence for spliceogenicity)]. Same nucleotide change resulting in same amino acid change has been previously reported as pathogenic/likely pathogenic with strong evidence (ClinVar ID: VCV000636127 /PMID: 19737284 /3billion dataset). The variant has been reported to be in trans with a pathogenic variant as either compound heterozygous or homozygous in at least 2 similarly affected unrelated individuals (PMID: 25078356, 29625443, 30459346, 30718709). Therefore, this variant is classified as Pathogenic according to the recommendation of ACMG/AMP guideline.

Genome-Nilou Lab
Classification: Likely pathogenic for Retinitis pigmentosa 39. Last evaluated: 2023-11-04. Review status: criteria provided, single submitter. Criteria: ACMG Guidelines, 2015. Collection method: clinical testing. Allele origin: germline. Affected: no.

Genome-Nilou Lab
Classification: Likely pathogenic for Usher syndrome type 2A. Last evaluated: 2023-11-04. Review status: criteria provided, single submitter. Criteria: ACMG Guidelines, 2015. Collection method: clinical testing. Allele origin: germline. Affected: no.

Dept Of Ophthalmology, Nagoya University
Classification: Pathogenic for Retinal dystrophy. Last evaluated: 2023-10-01. Review status: criteria provided, single submitter. Criteria: Submitter's publication. Collection method: research. Allele origin: germline. Affected: yes.

Blueprint Genetics
Classification: Pathogenic for USH2A-related disorders. Last evaluated: 2023-04-19. Review status: criteria provided, single submitter. Criteria: ACMG Guidelines, 2015. Collection method: clinical testing. Allele origin: germline. Affected: yes. Observed: 5 variant alleles.

Women's Health and Genetics/Laboratory Corporation of America, LabCorp
Classification: Pathogenic for Usher syndrome. Last evaluated: 2023-03-06. Review status: criteria provided, single submitter. Criteria: LabCorp Variant Classification Summary - May 2015. Collection method: clinical testing. Allele origin: germline.
Comment: Variant summary: USH2A c.8254G>A (p.Gly2752Arg) results in a non-conservative amino acid change in the encoded protein sequence. Four of four in-silico tools predict a damaging effect of the variant on protein function. The variant allele was found at a frequency of 2.4e-05 in 247260 control chromosomes. c.8254G>A has been reported in the literature in multiple individuals affected with Usher Syndrome or retinitis pigmentosa. These data indicate that the variant is very likely to be associated with disease. Five clinical diagnostic laboratories have submitted clinical-significance assessments for this variant to ClinVar after 2014 without evidence for independent evaluation. All laboratories classified the variant as pathogenic/likely pathogenic. Based on the evidence outlined above, the variant was classified as pathogenic.

CeGaT Center for Human Genetics Tuebingen
Classification: Pathogenic. Last evaluated: 2019-07-01. Review status: criteria provided, single submitter. Criteria: CeGaT Center For Human Genetics Tuebingen Variant Classification Criteria Version 2. Collection method: clinical testing. Allele origin: germline. Affected: yes. Observed: 1 variant allele.

Baylor Genetics
Classification: Pathogenic for Usher syndrome type 2A. Review status: criteria provided, single submitter. Criteria: ACMG Guidelines, 2015. Collection method: clinical testing. Allele origin: germline.

Juno Genomics, Hangzhou Juno Genomics, Inc
Classification: Pathogenic for Usher syndrome type 2A; Retinitis pigmentosa 39. Review status: criteria provided, single submitter. Criteria: ACMG Guidelines, 2015. Collection method: clinical testing. Allele origin: germline.
Comment: For recessive disorders, detected in trans with a pathogenic variant.;Co-segregation with disease in multiple affected family members.;Multiple lines of computational evidence support a deleterious effect on the gene or gene product.

Department of Clinical Genetics, Copenhagen University Hospital, Rigshospitalet
Classification: Likely pathogenic for Retinitis pigmentosa. Last evaluated: 2018-04-01. Review status: no assertion criteria provided. Collection method: research. Allele origin: unknown. Affected: yes. Study: VeluxRD. Not counted in ClinVar's aggregate classification.

Literature cited by the submitters: PubMed 30459346 (cited by 3 submitters); PubMed 25649381 (cited by Natera, Inc.); PubMed 26806561 (cited by Natera, Inc. and Labcorp Genetics (formerly Invitae), Labcorp); PubMed 33105608 (cited by Natera, Inc.); PubMed 27596865 (cited by Natera, Inc. and Labcorp Genetics (formerly Invitae), Labcorp); PubMed 33247286 (cited by Natera, Inc.); PubMed 21569298 (cited by Labcorp Genetics (formerly Invitae), Labcorp); PubMed 28678594 (cited by Labcorp Genetics (formerly Invitae), Labcorp); PubMed 29625443 (cited by 3 submitters); PubMed 30718709 (cited by 3billion and Department of Clinical Genetics, Copenhagen University Hospital, Rigshospitalet); PubMed 19737284 (cited by 3billion); PubMed 25078356 (cited by 3billion); PubMed 31213501 (cited by Women's Health and Genetics/Laboratory Corporation of America, LabCorp).